The following is an entry in ClinVar:

ClinVar aggregate classification (germline): Conflicting classifications of pathogenicity. Review status: criteria provided, conflicting classifications (1 of 4 stars). 13 submissions from 12 submitters: Uncertain significance (2); Benign (3); Likely benign (5). 3 of the submissions do not count toward it. Last evaluated 2026-01-13.

Conditions:
Cardiomyopathy (CMYO). Also called: Cardiomyopathies. Identifiers: Orphanet 167848, MedGen C0878544, MONDO:0004994, HP:0001638. Inheritance: Various modes of inheritance.
Dilated cardiomyopathy 1D. Identifiers: Orphanet 154, Orphanet 54260, MedGen C1832243, MONDO:0011095, OMIM 601494.
Cardiomyopathy, familial restrictive, 3. Identifiers: Orphanet 75249, MedGen C2676271, MONDO:0012900, OMIM 612422.
Hypertrophic cardiomyopathy 2. Also called: TNNT2-Related Familial Hypertrophic Cardiomyopathy. Identifiers: MedGen C1861864, MONDO:0007266, OMIM 115195.

Allele frequency attached by ClinVar (database versions not stated): gnomAD 0.00007; gnomAD exomes 0.00007 and 0.00014; TOPMed 0.00013; ExAC 0.00018.
gnomAD v4.1: 173 of 1,614,078 alleles (0.011%); highest among the groups gnomAD compares: East Asian, 0.1%; 1 homozygote.

Submissions (13):

Labcorp Genetics (formerly Invitae), Labcorp
Classification: Benign for Cardiomyopathy, familial restrictive, 3; Hypertrophic cardiomyopathy 2; Dilated cardiomyopathy 1D. Last evaluated: 2026-01-13. Review status: criteria provided, single submitter. Criteria: Invitae Variant Classification Sherloc (09022015). Collection method: clinical testing. Allele origin: germline.

Molecular Diagnostic Laboratory for Inherited Cardiovascular Disease, Montreal Heart Institute
Classification: Likely benign. Last evaluated: 2025-04-09. Review status: criteria provided, single submitter. Criteria: ACMG Guidelines, 2015. Collection method: clinical testing. Allele origin: germline. Affected: no.
Comment: BS1

Mayo Clinic Laboratories, Mayo Clinic
Classification: Likely benign. Last evaluated: 2025-01-09. Review status: criteria provided, single submitter. Criteria: ACMG Guidelines, 2015. Collection method: clinical testing. Allele origin: germline. Observed: 1 variant allele.
Comment: BS1, BP4, BP7

Blueprint Genetics
Classification: Likely benign. Last evaluated: 2024-08-15. Review status: criteria provided, single submitter. Criteria: ACMG Guidelines, 2015. Collection method: clinical testing. Allele origin: germline.

CHEO Genetics Diagnostic Laboratory, Children's Hospital of Eastern Ontario
Classification: Likely benign for Cardiomyopathy. Last evaluated: 2023-02-10. Review status: criteria provided, single submitter. Criteria: ACMG Guidelines, 2015. Collection method: clinical testing. Allele origin: germline. Study: Canadian Open Genetics Repository.

Illumina Laboratory Services, Illumina
Classification: Uncertain significance for Cardiomyopathy, familial restrictive, 3. Last evaluated: 2018-01-12. Review status: criteria provided, single submitter. Criteria: ICSL Variant Classification Criteria 13 December 2019. Collection method: clinical testing. Allele origin: germline.

Illumina Laboratory Services, Illumina
Classification: Uncertain significance for Hypertrophic cardiomyopathy 2. Last evaluated: 2018-01-12. Review status: criteria provided, single submitter. Criteria: ICSL Variant Classification Criteria 13 December 2019. Collection method: clinical testing. Allele origin: germline.

Women's Health and Genetics/Laboratory Corporation of America, LabCorp
Classification: Benign. Last evaluated: 2016-02-15. Review status: criteria provided, single submitter. Criteria: LabCorp Variant Classification Summary - May 2015. Collection method: clinical testing. Allele origin: germline.
Comment: Variant summary: c.52+7G>A affects a non-conserved nucleotide, resulting in an intronic change. Mutation taster predicts benign outcome. 4/5 programs in Alamut predict that this variant does not affect normal splicing. This variant was found in 22/121412 control chromosomes at a frequency of 0.0001812, predominantly observed in East Asian subpopulation with MAF of 0.001387. This frequency exceeds the maximal expected frequency of a pathogenic allele (0.00005), suggesting this variant is benign ethnic-specific polymorphism. This variant was reported in one DCM patient and was classified by authors as likely benign (Pugh_2014). In addition, multiple clinical laboratories (via ClinVar) classified this variant as benign/likely benign and one lab classified this variant as VUS. Taken together, this variant was classified as Benign.

GeneDx
Classification: Benign. Last evaluated: 2015-06-29. Review status: criteria provided, single submitter. Criteria: GeneDx Variant Classification (06012015). Collection method: clinical testing. Allele origin: germline. Affected: yes.
Comment: This variant is considered likely benign or benign based on one or more of the following criteria: it is a conservative change, it occurs at a poorly conserved position in the protein, it is predicted to be benign by multiple in silico algorithms, and/or has population frequency not consistent with disease.

Laboratory for Molecular Medicine, Mass General Brigham Personalized Medicine
Classification: Likely benign. Last evaluated: 2015-01-05. Review status: criteria provided, single submitter. Criteria: LMM Criteria. Collection method: clinical testing. Allele origin: germline. Observed: 8 variant alleles.
Comment: c.52+7G>A in intron 3 of TNNT2: This variant is not expected to have clinical si gnificance because it does not alter an amino acid residue and is not located wi thin the splice consensus sequence. This variant has been identified in 0.1% (12 /8766) of East Asian chromosomes by the Exome Aggregation Consortium (ExAC; dbSNP rs374443596).

Clinical Genetics DNA and cytogenetics Diagnostics Lab, Erasmus MC, Erasmus Medical Center
Classification: Likely benign. Review status: no assertion criteria provided. Collection method: clinical testing. Allele origin: germline. Affected: yes. Study: VKGL Data-share Consensus. Not counted in ClinVar's aggregate classification.

Clinical Genetics, Academic Medical Center
Classification: Benign. Review status: no assertion criteria provided. Collection method: clinical testing. Allele origin: germline. Affected: yes. Study: VKGL Data-share Consensus. Not counted in ClinVar's aggregate classification.

Joint Genome Diagnostic Labs from Nijmegen and Maastricht, Radboudumc and MUMC+
Classification: Likely benign. Review status: no assertion criteria provided. Collection method: clinical testing. Allele origin: germline. Affected: yes. Study: VKGL Data-share Consensus. Not counted in ClinVar's aggregate classification.

Literature cited by the submitters: PubMed 24503780 (cited by Mayo Clinic Laboratories, Mayo Clinic and Women's Health and Genetics/Laboratory Corporation of America, LabCorp); PubMed 30681346 (cited by Mayo Clinic Laboratories, Mayo Clinic).

NM_001276345.2(TNNT2):c.52+7G>A

Gene: TNNT2 (troponin T2, cardiac type; minus strand). Cytogenetic location: 1q32.1.
Variant type: single nucleotide variant.
Coding change: c.52+7G>A on transcript NM_001276345.2 (MANE Select); 7 bases into the intron after coding-DNA position 52, G replaced by A.
Molecular consequence: intron variant.
Genome position (GRCh38, 1-based): chr1:201,372,138, C>T on the plus strand (G>A on the coding strand, the complement: TNNT2 is on the minus strand). VCF-style: chr1-201372138-C-T. GRCh37 (hg19) VCF-style: chr1-201341266-C-T.
Other names: p.?; c.52+7G>A (NM_001001432.3, NM_001001431.3, NM_001001430.3 and 3 more transcripts).
Identifiers: ClinVar variation 43651 (VCV000043651.31), dbSNP rs374443596, ClinGen allele CA004688.
Genomic context (GRCh38, chr1:201,372,138, plus strand): 5'-AGAAGAGGTGGGTCAGTTTCGAACCAGGCTGTCTTTGATCCAAATGAGTACACACGTTTA[C>T]GCTTACCTTCCTGCTCCCTGAGAGCAACAGGAAACACTGTCAGTAGCTCGCACACAAGCA-3'